The following is an entry in ClinVar:

ClinVar aggregate classification (germline): Conflicting classifications of pathogenicity. Review status: criteria provided, conflicting classifications (1 of 4 stars). 4 submissions from 4 submitters: Uncertain significance (2); Likely benign (1). 1 of the submissions does not count toward it. Last evaluated 2025-05-19.

Conditions:
FBXW4-related disorder. Also called: FBXW4-related condition.
Split hand-foot malformation 3. Also called: CHROMOSOME 10q24 DUPLICATION SYNDROME; SHSF3; Buttiens Fryns syndrome. Identifiers: Orphanet 1307, MedGen C1838652, MONDO:0009525, OMIM 246560.

Allele frequency attached by ClinVar (database versions not stated): gnomAD exomes 0.00014 and 0.00030; TOPMed 0.00019; gnomAD 0.00021; ESP Exome Variant Server 0.00023; ExAC 0.00026.
gnomAD v4.1: 243 of 1,613,234 alleles (0.015%); highest among the groups gnomAD compares: Non-Finnish European, 0.0047%; no homozygotes.

Submissions (4):

Labcorp Genetics (formerly Invitae), Labcorp
Classification: Uncertain significance. Last evaluated: 2025-05-19. Review status: criteria provided, single submitter. Criteria: Invitae Variant Classification Sherloc (09022015). Collection method: clinical testing. Allele origin: germline.
Comment: This sequence change replaces valine, which is neutral and non-polar, with alanine, which is neutral and non-polar, at codon 97 of the FBXW4 protein (p.Val97Ala). This variant is present in population databases (rs143070839, gnomAD 0.6%). This variant has not been reported in the literature in individuals affected with FBXW4-related conditions. ClinVar contains an entry for this variant (Variation ID: 877576). An algorithm developed to predict the effect of missense changes on protein structure and function (PolyPhen-2) suggests that this variant is likely to be tolerated. In summary, the available evidence is currently insufficient to determine the role of this variant in disease. Therefore, it has been classified as a Variant of Uncertain Significance.

Ambry Genetics
Classification: Uncertain significance. Last evaluated: 2022-12-21. Review status: criteria provided, single submitter. Criteria: Ambry Variant Classification Scheme 2023. Collection method: clinical testing. Allele origin: germline.

Illumina Laboratory Services, Illumina
Classification: Likely benign for Split hand-foot malformation 3. Last evaluated: 2018-01-13. Review status: criteria provided, single submitter. Criteria: ICSL Variant Classification Criteria 13 December 2019. Collection method: clinical testing. Allele origin: germline.
Comment: This variant was observed in the ICSL laboratory as part of a predisposition screen in an ostensibly healthy population. It had not been previously curated by ICSL or reported in the Human Gene Mutation Database (HGMD: prior to June 1st, 2018), and was therefore a candidate for classification through an automated scoring system. Utilizing variant allele frequency, disease prevalence and penetrance estimates, and inheritance mode, an automated score was calculated to assess if this variant is too frequent to cause the disease. Based on the score and internal cut-off values, a variant classified as likely benign is not then subjected to further curation. The score for this variant resulted in a classification of likely benign for this disease.

PreventionGenetics, part of Exact Sciences
Classification: Likely benign for FBXW4-related condition. Last evaluated: 2019-08-05. Review status: no assertion criteria provided. Collection method: clinical testing. Allele origin: germline. Not counted in ClinVar's aggregate classification.
Comment: This variant is classified as likely benign based on ACMG/AMP sequence variant interpretation guidelines (Richards et al. 2015 PMID: 25741868, with internal and published modifications).

NM_022039.4(FBXW4):c.755T>C (p.Val252Ala)

Gene: FBXW4 (F-box and WD repeat domain containing 4; minus strand). Cytogenetic location: 10q24.32.
Variant type: single nucleotide variant.
Coding change: c.755T>C on transcript NM_022039.4 (MANE Select); coding-DNA position 755, T replaced by C.
Protein change: p.Val252Ala; replaces valine 252 with alanine.
Molecular consequence: missense variant. On other transcripts: non-coding transcript variant (1).
Genome position (GRCh38, 1-based): chr10:101,676,407, A>G on the plus strand (T>C on the coding strand, the complement: FBXW4 is on the minus strand). VCF-style: chr10-101676407-A-G. GRCh37 (hg19) VCF-style: chr10-103436164-A-G.
Other names: c.29T>C, p.Val10Ala (NM_001323541.2); short protein forms V10A, V252A.
Identifiers: ClinVar variation 877576 (VCV000877576.11), dbSNP rs143070839, ClinGen allele CA5657438.